The following is an entry in ClinVar:

NM_002693.3(POLG):c.244G>T (p.Gly82Trp)

Genes: POLG (DNA polymerase gamma, catalytic subunit; minus strand), POLGARF (POLG alternative reading frame; minus strand). Cytogenetic location: 15q26.1.
Variant type: single nucleotide variant.
Coding change: c.244G>T on transcript NM_002693.3 (MANE Select); coding-DNA position 244, G replaced by T.
Protein change: p.Gly82Trp; replaces glycine 82 with tryptophan.
Molecular consequence: missense variant.
Genome position (GRCh38, 1-based): chr15:89,333,511, C>A on the plus strand (G>T on the coding strand, the complement: POLG is on the minus strand). VCF-style: chr15-89333511-C-A. GRCh37 (hg19) VCF-style: chr15-89876742-C-A.
Other names: c.244G>T, p.Gly82Trp (NM_001126131.2); short protein forms G82W.
Identifiers: ClinVar variation 1397204 (VCV001397204.6), dbSNP rs139134661, ClinGen allele CA7725150.
Genomic context (GRCh38, chr15:89,333,511, plus strand): 5'-GGCGCACCGCGGCCTCGCCAGGCATCTCCCCTCCTTGCCCGAAGATTTGCTCGTGCAGCC[C>A]TCTCGAGAGCATCTGGATGTCCAATGGGTTGTGCCGCAGCTGCCCGCCCTCCGAGGATAG-3'
Protein context (NP_002684.1, residues 72-92): NPLDIQMLSR[Gly82Trp]LHEQIFGQGG

ClinVar aggregate classification (germline): Uncertain significance (1 of 4 stars; one submission).

Conditions:
Progressive sclerosing poliodystrophy (MTDPS4A). Also called: Mitochondrial DNA depletion syndrome 4A (Alpers type); ALPERS PROGRESSIVE INFANTILE POLIODYSTROPHY; NEURONAL DEGENERATION OF CHILDHOOD WITH LIVER DISEASE, PROGRESSIVE; Mitochondrial DNA Depletion Syndrome 4A; Alpers-Huttenlocher Syndrome (AHS); Alpers Syndrome. Identifiers: Orphanet 726, MedGen C0205710, MONDO:0008758, OMIM 203700.

Allele frequency attached by ClinVar (database versions not stated): gnomAD exomes below 0.00001.
gnomAD v4.1: 1 of 1,612,856 alleles (0.000062%); highest among the groups gnomAD compares: Admixed American, 0.0017%; no homozygotes.

Submission:

Labcorp Genetics (formerly Invitae), Labcorp
Classification: Uncertain significance for Progressive sclerosing poliodystrophy. Last evaluated: 2025-06-23. Review status: criteria provided, single submitter. Criteria: Invitae Variant Classification Sherloc (09022015). Collection method: clinical testing. Allele origin: germline.
Comment: This sequence change replaces glycine, which is neutral and non-polar, with tryptophan, which is neutral and slightly polar, at codon 82 of the POLG protein (p.Gly82Trp). This variant is present in population databases (rs139134661, gnomAD 0.003%). This variant has not been reported in the literature in individuals affected with POLG-related conditions. ClinVar contains an entry for this variant (Variation ID: 1397204). Invitae Evidence Modeling of protein sequence and biophysical properties (such as structural, functional, and spatial information, amino acid conservation, physicochemical variation, residue mobility, and thermodynamic stability) indicates that this missense variant is expected to disrupt POLG protein function with a positive predictive value of 95%. In summary, the available evidence is currently insufficient to determine the role of this variant in disease. Therefore, it has been classified as a Variant of Uncertain Significance.